The following is an entry in ClinVar:

NM_001042492.3(NF1):c.3941G>T (p.Trp1314Leu)

Gene: NF1 (neurofibromin 1; plus strand). Cytogenetic location: 17q11.2.
Variant type: single nucleotide variant.
Coding change: c.3941G>T on transcript NM_001042492.3 (MANE Select); coding-DNA position 3941, G replaced by T.
Protein change: p.Trp1314Leu; replaces tryptophan 1314 with leucine.
Molecular consequence: missense variant.
Genome position (GRCh38, 1-based): chr17:31,235,988, G>T. VCF-style: chr17-31235988-G-T. GRCh37 (hg19) VCF-style: chr17-29563006-G-T.
Other names: c.3941G>T, p.Trp1314Leu (NM_000267.4); short protein forms W1314L.
Identifiers: ClinVar variation 2708694 (VCV002708694.3), dbSNP rs876658235, ClinGen allele CA398993226.

ClinVar aggregate classification (germline): Uncertain significance (1 of 4 stars; one submission).

Conditions:
Neurofibromatosis, type 1 (NF1). Also called: Peripheral type neurofibromatosis; VON RECKLINGHAUSEN DISEASE; NEUROFIBROMATOSIS, TYPE I, SOMATIC; Neurofibromatosis, type I. Identifiers: Orphanet 636, MedGen C0027831, MONDO:0018975, OMIM 162200. Disease mechanism: loss of function.

Submission:

Labcorp Genetics (formerly Invitae), Labcorp
Classification: Uncertain significance for Neurofibromatosis, type 1. Last evaluated: 2024-01-10. Review status: criteria provided, single submitter. Criteria: Invitae Variant Classification Sherloc (09022015). Collection method: clinical testing. Allele origin: germline.
Comment: This sequence change replaces tryptophan, which is neutral and slightly polar, with leucine, which is neutral and non-polar, at codon 1314 of the NF1 protein (p.Trp1314Leu). This variant is not present in population databases (gnomAD no frequency). This variant has not been reported in the literature in individuals affected with NF1-related conditions. Advanced modeling of protein sequence and biophysical properties (such as structural, functional, and spatial information, amino acid conservation, physicochemical variation, residue mobility, and thermodynamic stability) has been performed at Invitae for this missense variant, however the output from this modeling did not meet the statistical confidence thresholds required to predict the impact of this variant on NF1 protein function. In summary, the available evidence is currently insufficient to determine the role of this variant in disease. Therefore, it has been classified as a Variant of Uncertain Significance.